The following is an entry in ClinVar:

ClinVar aggregate classification (germline): Uncertain significance (1 of 4 stars; one submission).

Allele frequency attached by ClinVar (database versions not stated): gnomAD exomes below 0.00001; gnomAD 0.00001; TOPMed 0.00001.
gnomAD v4.1: 3 of 1,612,490 alleles (0.00019%); highest among the groups gnomAD compares: Admixed American, 0.0033%; no homozygotes.

Submission:

Labcorp Genetics (formerly Invitae), Labcorp
Classification: Uncertain significance. Last evaluated: 2022-02-07. Review status: criteria provided, single submitter. Criteria: Invitae Variant Classification Sherloc (09022015). Collection method: clinical testing. Allele origin: germline.
Comment: This sequence change replaces aspartic acid, which is acidic and polar, with glutamic acid, which is acidic and polar, at codon 297 of the PPA2 protein (p.Asp297Glu). This variant is present in population databases (no rsID available, gnomAD 0.0009%). This variant has not been reported in the literature in individuals affected with PPA2-related conditions. Algorithms developed to predict the effect of missense changes on protein structure and function output the following: SIFT: "Tolerated"; PolyPhen-2: "Benign"; Align-GVGD: "Class C0". The glutamic acid amino acid residue is found in multiple mammalian species, which suggests that this missense change does not adversely affect protein function. In summary, the available evidence is currently insufficient to determine the role of this variant in disease. Therefore, it has been classified as a Variant of Uncertain Significance.

NM_176869.3(PPA2):c.891T>G (p.Asp297Glu)

Gene: PPA2 (inorganic pyrophosphatase 2; minus strand). Cytogenetic location: 4q24.
Variant type: single nucleotide variant.
Coding change: c.891T>G on transcript NM_176869.3 (MANE Select); coding-DNA position 891, T replaced by G.
Protein change: p.Asp297Glu; replaces aspartic acid 297 with glutamic acid.
Molecular consequence: missense variant.
Genome position (GRCh38, 1-based): chr4:105,386,615, A>C on the plus strand (T>G on the coding strand, the complement: PPA2 is on the minus strand). VCF-style: chr4-105386615-A-C. GRCh37 (hg19) VCF-style: chr4-106307772-A-C.
Other names: c.804T>G, p.Asp268Glu (NM_006903.4); c.585T>G, p.Asp195Glu (NM_176866.2); c.393T>G, p.Asp131Glu (NM_176867.3); short protein forms D195E, D297E, D268E, D131E.
Identifiers: ClinVar variation 1478155 (VCV001478155.4), dbSNP rs1230997733, ClinGen allele CA357788850.